The following is an entry in ClinVar:

NM_003072.5(SMARCA4):c.4185C>T (p.Gly1395=)

Gene: SMARCA4 (SWI/SNF related BAF chromatin remodeling complex subunit ATPase 4; plus strand). Cytogenetic location: 19p13.2.
Variant type: single nucleotide variant.
Coding change: c.4185C>T on transcript NM_003072.5 (MANE Select); coding-DNA position 4185, C replaced by T.
Protein change: p.Gly1395=; no amino-acid change (glycine 1395 retained).
Molecular consequence: synonymous variant. On other transcripts: non-coding transcript variant (1).
Genome position (GRCh38, 1-based): chr19:11,041,321, C>T. VCF-style: chr19-11041321-C-T. GRCh37 (hg19) VCF-style: chr19-11151997-C-T.
Other names: c.4086C>T, p.Gly1362= (NM_001374457.1, NM_001128847.4, NM_001128848.2); c.4281C>T, p.Gly1427= (NM_001387283.1, NM_001128849.3); c.4185C>T, p.Gly1395= (NM_001128844.3); c.4095C>T, p.Gly1365= (NM_001128845.2, NM_001128846.2).
Identifiers: ClinVar variation 408683 (VCV000408683.19), dbSNP rs889180299, ClinGen allele CA16616180.

ClinVar aggregate classification (germline): Benign/Likely benign. Review status: criteria provided, multiple submitters, no conflicts (2 of 4 stars). 5 submissions from 5 submitters: Benign (1); Likely benign (4). Last evaluated 2026-07-16.

Conditions:
SMARCA4-related disorder. Also called: SMARCA4-related condition.
Rhabdoid tumor predisposition syndrome 2 (RTPS2). Identifiers: Orphanet 231108, Orphanet 69077, MedGen C2750074, MONDO:0013224, OMIM 613325.
Hereditary cancer-predisposing syndrome. Also called: Hereditary Cancer Syndrome; Hereditary neoplastic syndrome; Neoplastic Syndromes, Hereditary; Tumor predisposition. Identifiers: Orphanet 140162, MedGen C0027672, MeSH D009386, MONDO:0015356.
Intellectual disability, autosomal dominant 16 (CSS4). Also called: COFFIN-SIRIS SYNDROME 4. Identifiers: Orphanet 1465, MedGen C3553249, MONDO:0013821, OMIM 614609.

Allele frequency attached by ClinVar (database versions not stated): gnomAD exomes below 0.00001 and 0.00001; gnomAD 0.00001; TOPMed 0.00004.
gnomAD v4.1: 16 of 1,610,756 alleles (0.00099%); highest among the groups gnomAD compares: African/African-American, 0.0027%; no homozygotes.

Submissions (5):

Myriad Genetics, Inc.
Classification: Benign for Rhabdoid tumor predisposition syndrome 2. Last evaluated: 2026-07-16. Review status: criteria provided, single submitter. Criteria: Myriad Autosomal Dominant, Autosomal Recessive and X-Linked Classification Criteria (2023). Collection method: clinical testing. Allele origin: unknown.
Comment: This variant is considered benign. This variant is a silent/synonymous amino acid change and it is not expected to impact splicing.

Labcorp Genetics (formerly Invitae), Labcorp
Classification: Likely benign for Rhabdoid tumor predisposition syndrome 2. Last evaluated: 2026-02-03. Review status: criteria provided, single submitter. Criteria: Invitae Variant Classification Sherloc (09022015). Collection method: clinical testing. Allele origin: germline.

PreventionGenetics, part of Exact Sciences
Classification: Likely benign for SMARCA4-related condition. Last evaluated: 2024-11-03. Review status: criteria provided, single submitter. Criteria: ACMG Guidelines, 2015. Collection method: clinical testing. Allele origin: germline.
Comment: This variant is classified as likely benign based on ACMG/AMP sequence variant interpretation guidelines (Richards et al. 2015 PMID: 25741868, with internal and published modifications).

Genome-Nilou Lab
Classification: Likely benign for Intellectual disability, autosomal dominant 16. Last evaluated: 2021-07-15. Review status: criteria provided, single submitter. Criteria: ACMG Guidelines, 2015. Collection method: clinical testing. Allele origin: germline. Affected: no.

Ambry Genetics
Classification: Likely benign for Hereditary cancer-predisposing syndrome. Last evaluated: 2017-04-27. Review status: criteria provided, single submitter. Criteria: Ambry Variant Classification Scheme 2023. Collection method: clinical testing. Allele origin: germline.